The following is an entry in ClinVar:

ClinVar aggregate classification (germline): Conflicting classifications of pathogenicity. Review status: criteria provided, conflicting classifications (1 of 4 stars). 8 submissions from 8 submitters: Uncertain significance (4); Likely benign (1). 3 of the submissions do not count toward it. Last evaluated 2025-12-11.

Conditions:
Cardiovascular phenotype. Identifiers: MedGen CN230736.
Cardiomyopathy (CMYO). Also called: Cardiomyopathies. Identifiers: Orphanet 167848, MedGen C0878544, MONDO:0004994, HP:0001638. Inheritance: Various modes of inheritance.
Becker muscular dystrophy (BMD). Also called: MUSCULAR DYSTROPHY, PSEUDOHYPERTROPHIC PROGRESSIVE, BECKER TYPE; Becker Muscular Dystrophy (BMD). Identifiers: Orphanet 98895, MedGen C0917713, MONDO:0010311, OMIM 300376.
Duchenne muscular dystrophy (DMD). Also called: Duchenne Muscular Dystrophy (DMD); MUSCULAR DYSTROPHY, PSEUDOHYPERTROPHIC PROGRESSIVE, DUCHENNE TYPE. Identifiers: Orphanet 98896, MedGen C0013264, MONDO:0010679, OMIM 310200.
Dystrophin deficiency.

Allele frequency attached by ClinVar (database versions not stated): TOPMed 0.00003; gnomAD exomes 0.00004; ExAC 0.00002.
gnomAD v4.1: 40 of 1,205,136 alleles (0.0033%); highest among the groups gnomAD compares: East Asian, 0.0059%; no homozygotes.

Submissions (8):

Labcorp Genetics (formerly Invitae), Labcorp
Classification: Likely benign for Duchenne muscular dystrophy. Last evaluated: 2025-12-11. Review status: criteria provided, single submitter. Criteria: Invitae Variant Classification Sherloc (09022015). Collection method: clinical testing. Allele origin: germline.

Ambry Genetics
Classification: Uncertain significance for Cardiovascular phenotype. Last evaluated: 2024-10-11. Review status: criteria provided, single submitter. Criteria: Ambry Variant Classification Scheme 2023. Collection method: clinical testing. Allele origin: germline.
Comment: The c.10223C>T variant (also known as p.T3408I), located in coding exon 70 of the DMD gene, results from a C to T substitution at nucleotide position 10223. The amino acid change results in threonine to isoleucine at codon 3408, an amino acid with similar properties. However, this change occurs in the last base pair of coding exon 70, which makes it likely to have some effect on normal mRNA splicing. Based on data from gnomAD, the T allele has an overall frequency of 0.0044% (8/181746) total alleles studied, with 3 hemizygote(s) observed. The highest observed frequency was 0.0074% (6/80936) of European (non-Finnish) alleles. This amino acid position is highly conserved in available vertebrate species. In addition, this alteration is predicted to be deleterious by in silico analysis. Based on the available evidence, the clinical significance of this variant remains unclear.

Athena Diagnostics
Classification: Uncertain significance. Last evaluated: 2023-02-07. Review status: criteria provided, single submitter. Criteria: Athena Diagnostics Criteria. Collection method: clinical testing. Allele origin: unknown.
Comment: Available data are insufficient to determine the clinical significance of the variant at this time. The frequency of this variant in the general population is higher than would generally be expected for pathogenic variants in this gene. Computational tools disagree on the variant's effect on normal protein function. According to published research, less than 2% of dystrophin-related disease is due to missense mutation (Flanigan, et al. 2009. Hum Mutat 30: 1657-66. PMID: 19937601).

Revvity Omics, Revvity
Classification: Uncertain significance. Last evaluated: 2019-06-17. Review status: criteria provided, single submitter. Criteria: ACMG Guidelines, 2015. Collection method: clinical testing. Allele origin: germline.

Laboratory for Molecular Medicine, Mass General Brigham Personalized Medicine
Classification: Uncertain significance. Last evaluated: 2015-06-01. Review status: criteria provided, single submitter. Criteria: LMM Criteria. Collection method: clinical testing. Allele origin: germline. Observed: 1 variant allele.
Comment: The p.Thr340Met variant in DMD (NM_004019.2; historical transcript name dp40) ha s not been previously reported in individuals with cardiomyopathy, but has been identified in 2/47526 European chromosomes by the Exome Aggregation Consortium ( ExAC). This variant also results in a threonine to isoleucine change at position 3408 (p.Thr3408Ile) in the muscle-specific DMD transcript NM_004006.2 (historical transcript name dp427m). In this transcript, this variant is located in the last three bases of the exon, which is part of th e 5? splice region. Computational tools do not suggest an impact to splicing; ho wever, they do suggest that this variant may impact the protein, though this inf ormation is not predictive enough to determine pathogenicity. In summary, the cl inical significance of the p.Thr340Met variant is uncertain.

Natera, Inc.
Classification: Uncertain significance for Becker muscular dystrophy; Cardiomyopathy; Duchenne muscular dystrophy; Dystrophin deficiency. Last evaluated: 2019-07-16. Review status: no assertion criteria provided. Collection method: clinical testing. Allele origin: germline. Not counted in ClinVar's aggregate classification.

Diagnostic Laboratory, Department of Genetics, University Medical Center Groningen
Classification: Uncertain significance. Review status: no assertion criteria provided. Collection method: clinical testing. Allele origin: germline. Affected: yes. Study: VKGL Data-share Consensus. Not counted in ClinVar's aggregate classification.

Genome Diagnostics Laboratory, University Medical Center Utrecht
Classification: Uncertain significance. Review status: no assertion criteria provided. Collection method: clinical testing. Allele origin: germline. Affected: yes. Study: VKGL Data-share Consensus. Not counted in ClinVar's aggregate classification.

Literature cited by the submitters: PubMed 15253946 (cited by Laboratory for Molecular Medicine, Mass General Brigham Personalized Medicine); PubMed 12354438 (cited by Laboratory for Molecular Medicine, Mass General Brigham Personalized Medicine); PubMed 9170407 (cited by Laboratory for Molecular Medicine, Mass General Brigham Personalized Medicine).

NM_004006.3(DMD):c.10223C>T (p.Thr3408Ile)

Gene: DMD (dystrophin; minus strand). Cytogenetic location: Xp21.2.
Variant type: single nucleotide variant.
Coding change: c.10223C>T on transcript NM_004006.3 (MANE Select); coding-DNA position 10223, C replaced by T.
Protein change: p.Thr3408Ile; replaces threonine 3408 with isoleucine.
Molecular consequence: missense variant.
Genome position (GRCh38, 1-based): chrX:31,178,669, G>A on the plus strand (C>T on the coding strand, the complement: DMD is on the minus strand). VCF-style: chrX-31178669-G-A. GRCh37 (hg19) VCF-style: chrX-31196786-G-A.
Other names: c.10199C>T, p.Thr3400Ile (NM_000109.4); c.10211C>T, p.Thr3404Ile (NM_004009.3); c.9854C>T, p.Thr3285Ile (NM_004010.3); c.6200C>T, p.Thr2067Ile (NM_004011.4); c.6191C>T, p.Thr2064Ile (NM_004012.4); c.2843C>T, p.Thr948Ile (NM_004013.3, NM_004021.3); c.2036C>T, p.Thr679Ile (NM_004014.3); c.1019C>T, p.Thr340Ile (NM_004015.3, NM_004016.3); and 2 more; short protein forms T3408I, T340M, T2067I, T2064I, T3285I, T3400I, T679I, T948I.
Identifiers: ClinVar variation 228600 (VCV000228600.18), dbSNP rs777510517, ClinGen allele CA10377674.
Genomic context (GRCh38, chrX:31,178,669, plus strand): 5'-GCTGAGAGGAGTTCAAATATACATCAAACAAGAGTGTGTTCTGCTTTTGCTACTACTCAC[G>A]TTTCCATGTTGTCCCCCTCTAAGACAGTCTGCACTGGCAGGTAGCCCATTCGGGGATGCT-3'
Protein context (NP_003997.2, residues 3398-3418): QTVLEGDNME[Thr3408Ile]PVTLINFWPV